The following is an entry in ClinVar:

ClinVar aggregate classification (germline): Likely benign. Review status: criteria provided, multiple submitters, no conflicts (2 of 4 stars). 3 submissions from 3 submitters: Likely benign (3). Last evaluated 2025-09-22.

Conditions:
Multiple congenital anomalies-hypotonia-seizures syndrome 3 (MCAHS3). Also called: GLYCOSYLPHOSPHATIDYLINOSITOL BIOSYNTHESIS DEFECT 7. Identifiers: Orphanet 369837, MedGen C3809356, MONDO:0014165, OMIM 615398.

Allele frequency attached by ClinVar (database versions not stated): ESP Exome Variant Server 0.00008; TOPMed 0.00036; gnomAD 0.00038 and 0.00039; gnomAD exomes 0.00038; ExAC 0.00042.

Submissions (3):

Labcorp Genetics (formerly Invitae), Labcorp
Classification: Likely benign for Multiple congenital anomalies-hypotonia-seizures syndrome 3. Last evaluated: 2025-09-22. Review status: criteria provided, single submitter. Criteria: Invitae Variant Classification Sherloc (09022015). Collection method: clinical testing. Allele origin: germline.

Blueprint Genetics
Classification: Likely benign. Last evaluated: 2024-10-21. Review status: criteria provided, single submitter. Criteria: ACMG Guidelines, 2015. Collection method: clinical testing. Allele origin: germline.

CeGaT Center for Human Genetics Tuebingen
Classification: Likely benign. Last evaluated: 2024-05-01. Review status: criteria provided, single submitter. Criteria: CeGaT Center For Human Genetics Tuebingen Variant Classification Criteria Version 2. Collection method: clinical testing. Allele origin: germline. Affected: yes. Observed: 2 variant alleles.
Comment: PIGT: BP4

NM_015937.6(PIGT):c.1707C>T (p.Ile569=)

Gene: PIGT (phosphatidylinositol glycan anchor biosynthesis class T; plus strand). Cytogenetic location: 20q13.12.
Variant type: single nucleotide variant.
Coding change: c.1707C>T on transcript NM_015937.6 (MANE Select); coding-DNA position 1707, C replaced by T.
Protein change: p.Ile569=; no amino-acid change (isoleucine 569 retained).
Molecular consequence: synonymous variant. On other transcripts: non-coding transcript variant (5).
Genome position (GRCh38, 1-based): chr20:45,425,796, C>T. VCF-style: chr20-45425796-C-T. GRCh37 (hg19) VCF-style: chr20-44054436-C-T.
Other names: c.1539C>T, p.Ile513= (NM_001184728.3); c.1506C>T, p.Ile502= (NM_001184729.3); c.1401C>T, p.Ile467= (NM_001184730.3).
Identifiers: ClinVar variation 724867 (VCV000724867.32), dbSNP rs201975150, ClinGen allele CA9878365.